The following is an entry in ClinVar:

ClinVar aggregate classification (germline): Likely pathogenic (1 of 4 stars; one submission).

Conditions:
Deficiency of steroid 17-alpha-monooxygenase. Also called: ADRENAL HYPERPLASIA V; 17-ALPHA-HYDROXYLASE DEFICIENCY; Congenital adrenal hyperplasia due to 17-alpha-hydroxylase deficiency; Congenital adrenal hyperplasia type 5; 17-alpha-hydroxylase/17,20-lyase deficiency. Identifiers: Orphanet 90793, MedGen C0268285, MONDO:0008730, OMIM 202110.

gnomAD v4.1: 4 of 1,614,096 alleles (0.00025%); highest among the groups gnomAD compares: South Asian, 0.0033%; no homozygotes.

Submission:

Natera, Inc.
Classification: Likely pathogenic for Deficiency of steroid 17-alpha-monooxygenase. Last evaluated: 2025-09-10. Review status: criteria provided, single submitter. Criteria: Natera Variant Classification Schema (03/2026). Collection method: clinical testing. Allele origin: germline.
Comment: The c.969G>A variant in CYP17A1 is a synonymous variant that does not alter the encoded amino acid at position 323 (p.Q323=). This variant is rare in the general population with a frequency below the threshold expected for the associated phenotype(s). This variant has been observed in one or more individuals affected with the associated recessive disease, as either homozygous or compound heterozygous with a second variant (PMID: 40123165). Additionally, this variant has been observed to segregate in affected family members (PMID: 40123165). Computational prediction algorithms indicate this variant is likely to affect gene or protein function. Given the available evidence, this variant is classified as Likely Pathogenic.

Literature cited by the submitters: PubMed 40123165.

NM_000102.4(CYP17A1):c.969G>A (p.Gln323=)

Genes: CYP17A1 (cytochrome P450 family 17 subfamily A member 1; minus strand), CYP17A1-AS1 (CYP17A1 antisense RNA 1; plus strand). Cytogenetic location: 10q24.32.
Variant type: single nucleotide variant.
Coding change: c.969G>A on transcript NM_000102.4 (MANE Select); coding-DNA position 969, G replaced by A.
Protein change: p.Gln323=; no amino-acid change (glutamine 323 retained).
Molecular consequence: synonymous variant.
Genome position (GRCh38, 1-based): chr10:102,832,993, C>T on the plus strand (G>A on the coding strand, the complement: CYP17A1 is on the minus strand). VCF-style: chr10-102832993-C-T. GRCh37 (hg19) VCF-style: chr10-104592750-C-T.
Identifiers: ClinVar variation 4817444 (VCV004817444.1).